The following is an entry in ClinVar:

NM_001127222.2(CACNA1A):c.5740G>A (p.Asp1914Asn)

Gene: CACNA1A (calcium voltage-gated channel subunit alpha1 A; minus strand). Cytogenetic location: 19p13.13.
Variant type: single nucleotide variant.
Coding change: c.5740G>A on transcript NM_001127222.2 (MANE Select); coding-DNA position 5740, G replaced by A.
Protein change: p.Asp1914Asn; replaces aspartic acid 1914 with asparagine.
Molecular consequence: missense variant.
Genome position (GRCh38, 1-based): chr19:13,214,600, C>T on the plus strand (G>A on the coding strand, the complement: CACNA1A is on the minus strand). VCF-style: chr19-13214600-C-T. GRCh37 (hg19) VCF-style: chr19-13325414-C-T.
Other names: c.5758G>A, p.Asp1920Asn (NM_000068.4, NM_023035.3); c.5743G>A, p.Asp1915Asn (NM_001127221.2); c.5749G>A, p.Asp1917Asn (NM_001174080.2); short protein forms D1915N, D1920N, D1914N, D1917N.
Identifiers: ClinVar variation 585577 (VCV000585577.14), dbSNP rs371957992, ClinGen allele CA9239596.

ClinVar aggregate classification (germline): Conflicting classifications of pathogenicity. Review status: criteria provided, conflicting classifications (1 of 4 stars). 2 submissions from 2 submitters: Uncertain significance (1); Likely benign (1). Last evaluated 2025-12-05.

Conditions:
Episodic ataxia type 2 (EA2). Also called: ACETAZOLAMIDE-RESPONSIVE HEREDITARY PAROXYSMAL CEREBELLAR ATAXIA; CEREBELLAR ATAXIA, PAROXYSMAL, ACETAZOLAMIDE-RESPONSIVE; CEREBELLOPATHY, HEREDITARY PAROXYSMAL; EPISODIC ATAXIA, NYSTAGMUS-ASSOCIATED; ATAXIA, EPISODIC, WITH NYSTAGMUS; ATAXIA, FAMILIAL PAROXYSMAL. Identifiers: Orphanet 97, MedGen C1720416, MONDO:0007163, OMIM 108500.
Developmental and epileptic encephalopathy, 42 (DEE42A). Also called: DEVELOPMENTAL AND EPILEPTIC ENCEPHALOPATHY 42A; EPILEPTIC ENCEPHALOPATHY, EARLY INFANTILE, 42A; Epileptic encephalopathy, early infantile, 42. Identifiers: MedGen C4310716, MONDO:0014917, OMIM 617106.

Allele frequency attached by ClinVar (database versions not stated): ExAC 0.00001; gnomAD exomes 0.00001 and 0.00002; TOPMed 0.00004; gnomAD 0.00005 and 0.00006; ESP Exome Variant Server 0.00008.
gnomAD v4.1: 22 of 1,613,212 alleles (0.0014%); highest among the groups gnomAD compares: African/African-American, 0.0067%; no homozygotes.

Submissions (2):

Labcorp Genetics (formerly Invitae), Labcorp
Classification: Likely benign for Developmental and epileptic encephalopathy, 42; Episodic ataxia type 2. Last evaluated: 2025-12-05. Review status: criteria provided, single submitter. Criteria: Invitae Variant Classification Sherloc (09022015). Collection method: clinical testing. Allele origin: germline.

Athena Diagnostics
Classification: Uncertain significance. Last evaluated: 2022-11-23. Review status: criteria provided, single submitter. Criteria: Athena Diagnostics Criteria. Collection method: clinical testing. Allele origin: unknown.
Comment: Available data are insufficient to determine the clinical significance of the variant at this time. The frequency of this variant in the general population is higher than would generally be expected for pathogenic variants in this gene. Computational tools disagree on the variant's effect on normal protein function.